The following is an entry in ClinVar:

NM_014956.5(CEP164):c.2845-7C>A

Gene: CEP164 (centrosomal protein 164; plus strand). Cytogenetic location: 11q23.3.
Variant type: single nucleotide variant.
Coding change: c.2845-7C>A on transcript NM_014956.5 (MANE Select); 7 bases into the intron before coding-DNA position 2845, C replaced by A.
Molecular consequence: intron variant.
Genome position (GRCh38, 1-based): chr11:117,395,116, C>A. VCF-style: chr11-117395116-C-A. GRCh37 (hg19) VCF-style: chr11-117265832-C-A.
Other names: c.2854-7C>A (NM_001271933.2); c.2845-7C>A (NM_014956.4).
Identifiers: ClinVar variation 3613907 (VCV003613907.3).
Genomic context (GRCh38, chr11:117,395,116, plus strand): 5'-GGGCAGGCTCTGCCCCTCAGACCTGGGGTCTGCAGTCAGCCAGAAAATCCTGTCTCTTCC[C>A]TGCAAGGAGGAGACCGCCCGGAGGGAGAAGCAGCAGCTGCTTGATGTGCAGAGGCAGGTT-3'

ClinVar aggregate classification (germline): Likely benign. Review status: criteria provided, multiple submitters, no conflicts (2 of 4 stars). 2 submissions from 2 submitters: Likely benign (2). Last evaluated 2025-06-22.

Conditions:
CEP164-related disorder. Also called: CEP164-related condition.
Nephronophthisis 15 (NPHP15). Identifiers: Orphanet 3156, MedGen C3541853, MONDO:0013917, OMIM 614845.

gnomAD v4.1: 7 of 1,614,030 alleles (0.00043%); highest among the groups gnomAD compares: African/African-American, 0.0093%; no homozygotes.

Submissions (2):

Labcorp Genetics (formerly Invitae), Labcorp
Classification: Likely benign for Nephronophthisis 15. Last evaluated: 2025-06-22. Review status: criteria provided, single submitter. Criteria: Invitae Variant Classification Sherloc (09022015). Collection method: clinical testing. Allele origin: germline.

PreventionGenetics, part of Exact Sciences
Classification: Likely benign for CEP164-related condition. Last evaluated: 2025-03-19. Review status: criteria provided, single submitter. Criteria: ACMG Guidelines, 2015. Collection method: clinical testing. Allele origin: germline.
Comment: This variant is classified as likely benign based on ACMG/AMP sequence variant interpretation guidelines (Richards et al. 2015 PMID: 25741868, with internal and published modifications).